The following is an entry in ClinVar:

NM_001242896.3(DEPDC5):c.4715T>A (p.Leu1572Gln)

Gene: DEPDC5 (DEP domain containing 5, GATOR1 subcomplex subunit; plus strand). Cytogenetic location: 22q12.3.
Variant type: single nucleotide variant.
Coding change: c.4715T>A on transcript NM_001242896.3 (MANE Select); coding-DNA position 4715, T replaced by A.
Protein change: p.Leu1572Gln; replaces leucine 1572 with glutamine.
Molecular consequence: missense variant. On other transcripts: non-coding transcript variant (5).
Genome position (GRCh38, 1-based): chr22:31,906,400, T>A. VCF-style: chr22-31906400-T-A. GRCh37 (hg19) VCF-style: chr22-32302386-T-A.
Other names: c.4688T>A, p.Leu1563Gln (NM_001136029.4); c.4415T>A, p.Leu1472Gln (NM_001242897.2); c.4649T>A, p.Leu1550Gln (NM_001363852.2, NM_001364320.2); c.4481T>A, p.Leu1494Gln (NM_001363854.2, NM_001364319.2); c.4715T>A, p.Leu1572Gln (NM_001364318.2); c.4631T>A, p.Leu1544Gln (NM_001369901.1, NM_001369902.1); c.4622T>A, p.Leu1541Gln (NM_001369903.1, NM_014662.6); short protein forms L1544Q, L1572Q, L1472Q, L1550Q, L1563Q, L1494Q, L1541Q.
Identifiers: ClinVar variation 1492637 (VCV001492637.8), dbSNP rs1208729078, ClinGen allele CA411293125.

ClinVar aggregate classification (germline): Uncertain significance (1 of 4 stars; one submission).

Conditions:
Familial focal epilepsy with variable foci (FPEVF). Identifiers: Orphanet 98820, MedGen C1858477, MONDO:0020310.

Allele frequency attached by ClinVar (database versions not stated): gnomAD exomes below 0.00001 and 0.00001.

Submission:

Labcorp Genetics (formerly Invitae), Labcorp
Classification: Uncertain significance for Familial focal epilepsy with variable foci. Last evaluated: 2021-07-09. Review status: criteria provided, single submitter. Criteria: Invitae Variant Classification Sherloc (09022015). Collection method: clinical testing. Allele origin: germline.
Comment: This variant has not been reported in the literature in individuals with DEPDC5-related conditions. This variant is not present in population databases (ExAC no frequency). This sequence change replaces leucine with glutamine at codon 1572 of the DEPDC5 protein (p.Leu1572Gln). The leucine residue is highly conserved and there is a moderate physicochemical difference between leucine and glutamine. Algorithms developed to predict the effect of missense changes on protein structure and function are either unavailable or do not agree on the potential impact of this missense change (SIFT: "Deleterious"; PolyPhen-2: "Not Available"; Align-GVGD: "Class C65"). Algorithms developed to predict the effect of sequence changes on RNA splicing suggest that this variant may create or strengthen a splice site, but this prediction has not been confirmed by published transcriptional studies. In summary, the available evidence is currently insufficient to determine the role of this variant in disease. Therefore, it has been classified as a Variant of Uncertain Significance.